The following is an entry in ClinVar:

ClinVar aggregate classification (germline): Uncertain significance (1 of 4 stars; one submission).

Submission:

Ambry Genetics
Classification: Uncertain significance. Last evaluated: 2024-08-26. Review status: criteria provided, single submitter. Criteria: Ambry Variant Classification Scheme 2023. Collection method: clinical testing. Allele origin: germline.
Comment: The p.E154K variant (also known as c.460G>A), located in coding exon 4 of the RINT1 gene, results from a G to A substitution at nucleotide position 460. The glutamic acid at codon 154 is replaced by lysine, an amino acid with similar properties. This amino acid position is conserved. In addition, this alteration is predicted to be tolerated by in silico analysis. Based on the available evidence, the clinical significance of this variant remains unclear.

NM_021930.6(RINT1):c.460G>A (p.Glu154Lys)

Gene: RINT1 (RAD50 interactor 1; plus strand). Cytogenetic location: 7q22.3.
Variant type: single nucleotide variant.
Coding change: c.460G>A on transcript NM_021930.6 (MANE Select); coding-DNA position 460, G replaced by A.
Protein change: p.Glu154Lys; replaces glutamic acid 154 with lysine.
Molecular consequence: missense variant. On other transcripts: 5 prime UTR variant (3), non-coding transcript variant (1).
Genome position (GRCh38, 1-based): chr7:105,542,594, G>A. VCF-style: chr7-105542594-G-A. GRCh37 (hg19) VCF-style: chr7-105183041-G-A.
Other names: c.226G>A, p.Glu76Lys (NM_001346599.2); c.-560G>A (NM_001346600.2); c.-463G>A (NM_001346601.2); c.-83G>A (NM_001346603.2); short protein forms E154K, E76K.
Identifiers: ClinVar variation 3433611 (VCV003433611.1).